The following is an entry in ClinVar:

ClinVar aggregate classification (germline): Uncertain significance (1 of 4 stars; one submission).

Conditions:
Hereditary cancer-predisposing syndrome. Also called: Neoplastic Syndromes, Hereditary; Tumor predisposition; Hereditary neoplastic syndrome; Hereditary Cancer Syndrome. Identifiers: Orphanet 140162, MedGen C0027672, MeSH D009386, MONDO:0015356.

Allele frequency attached by ClinVar (database versions not stated): gnomAD exomes below 0.00001.

Submission:

Ambry Genetics
Classification: Uncertain significance for Hereditary cancer-predisposing syndrome. Last evaluated: 2023-09-25. Review status: criteria provided, single submitter. Criteria: Ambry Variant Classification Scheme 2023. Collection method: clinical testing. Allele origin: germline.
Comment: The p.D586V variant (also known as c.1757A>T), located in coding exon 5 of the PALB2 gene, results from an A to T substitution at nucleotide position 1757. The aspartic acid at codon 586 is replaced by valine, an amino acid with highly dissimilar properties. This amino acid position is conserved. In addition, this alteration is predicted to be tolerated by in silico analysis. Since supporting evidence is limited at this time, the clinical significance of this alteration remains unclear.

NM_024675.4(PALB2):c.1757A>T (p.Asp586Val)

Gene: PALB2 (partner and localizer of BRCA2; minus strand). Cytogenetic location: 16p12.2.
Variant type: single nucleotide variant.
Coding change: c.1757A>T on transcript NM_024675.4 (MANE Select); coding-DNA position 1757, A replaced by T.
Protein change: p.Asp586Val; replaces aspartic acid 586 with valine.
Molecular consequence: missense variant. On other transcripts: 5 prime UTR variant (2), intron variant (1).
Genome position (GRCh38, 1-based): chr16:23,630,397, T>A on the plus strand (A>T on the coding strand, the complement: PALB2 is on the minus strand). VCF-style: chr16-23630397-T-A. GRCh37 (hg19) VCF-style: chr16-23641718-T-A.
Other names: c.1697A>T, p.Asp566Val (NM_001407296.1); c.1757A>T, p.Asp586Val (NM_001407297.1, NM_001407298.1, NM_001407299.1 and 3 more transcripts); c.872A>T, p.Asp291Val (NM_001407304.1, NM_001407305.1, NM_001407306.1 and 5 more transcripts); c.-32A>T (NM_001407312.1, NM_001407313.1); c.49-1122A>T (NM_001407314.1); short protein forms D291V, D566V, D586V.
Identifiers: ClinVar variation 3227996 (VCV003227996.1), dbSNP rs1278558296, ClinGen allele CA395128232.